The following is an entry in ClinVar:

NM_003002.4(SDHD):c.263G>A (p.Cys88Tyr)

Gene: SDHD (succinate dehydrogenase complex subunit D; plus strand). Cytogenetic location: 11q23.1.
Variant type: single nucleotide variant.
Coding change: c.263G>A on transcript NM_003002.4 (MANE Select); coding-DNA position 263, G replaced by A.
Protein change: p.Cys88Tyr; replaces cysteine 88 with tyrosine.
Molecular consequence: missense variant. On other transcripts: non-coding transcript variant (1), intron variant (1).
Genome position (GRCh38, 1-based): chr11:112,088,960, G>A. VCF-style: chr11-112088960-G-A. GRCh37 (hg19) VCF-style: chr11-111959684-G-A.
Other names: c.146G>A, p.Cys49Tyr (NM_001276504.2); c.263G>A, p.Cys88Tyr (NM_001276506.2); c.169+987G>A (NM_001276503.2); short protein forms C88Y, C49Y.
Identifiers: ClinVar variation 5029367 (VCV005029367.1).

ClinVar aggregate classification (germline): Uncertain significance (1 of 4 stars; one submission).

Conditions:
Hereditary cancer-predisposing syndrome. Also called: Neoplastic Syndromes, Hereditary; Tumor predisposition; Hereditary neoplastic syndrome; Hereditary Cancer Syndrome. Identifiers: Orphanet 140162, MedGen C0027672, MeSH D009386, MONDO:0015356.

Submission:

Ambry Genetics
Classification: Uncertain significance for Hereditary cancer-predisposing syndrome. Last evaluated: 2026-07-06. Review status: criteria provided, single submitter. Criteria: Ambry Variant Classification Scheme 2023. Collection method: clinical testing. Allele origin: germline.
Comment: The p.C88Y variant (also known as c.263G>A), located in coding exon 3 of the SDHD gene, results from a G to A substitution at nucleotide position 263. The cysteine at codon 88 is replaced by tyrosine, an amino acid with highly dissimilar properties. This amino acid position is conserved. In addition, this alteration is predicted to be deleterious by in silico analysis. Based on the available evidence, the clinical significance of this variant remains unclear.